The following is an entry in ClinVar:

NM_002907.4(RECQL):c.781G>A (p.Val261Ile)

Gene: RECQL (RecQ like helicase; minus strand). Cytogenetic location: 12p12.1.
Variant type: single nucleotide variant.
Coding change: c.781G>A on transcript NM_002907.4 (MANE Select); coding-DNA position 781, G replaced by A.
Protein change: p.Val261Ile; replaces valine 261 with isoleucine.
Molecular consequence: missense variant.
Genome position (GRCh38, 1-based): chr12:21,477,889, C>T on the plus strand (G>A on the coding strand, the complement: RECQL is on the minus strand). VCF-style: chr12-21477889-C-T. GRCh37 (hg19) VCF-style: chr12-21630823-C-T.
Other names: c.781G>A, p.Val261Ile (NM_032941.3); short protein forms V261I.
Identifiers: ClinVar variation 1760771 (VCV001760771.10), dbSNP rs761204305, ClinGen allele CA6478974.

ClinVar aggregate classification (germline): Uncertain significance. Review status: criteria provided, multiple submitters, no conflicts (2 of 4 stars). 3 submissions from 3 submitters: Uncertain significance (3). Last evaluated 2026-01-27.

Allele frequency attached by ClinVar (database versions not stated): gnomAD 0.00001; TOPMed 0.00001; ExAC 0.00002; gnomAD exomes 0.00002.

Submissions (3):

Labcorp Genetics (formerly Invitae), Labcorp
Classification: Uncertain significance. Last evaluated: 2026-01-27. Review status: criteria provided, single submitter. Criteria: Invitae Variant Classification Sherloc (09022015). Collection method: clinical testing. Allele origin: germline.
Comment: This sequence change replaces valine, which is neutral and non-polar, with isoleucine, which is neutral and non-polar, at codon 261 of the RECQL protein (p.Val261Ile). This variant is present in population databases (rs761204305, gnomAD 0.005%). This variant has not been reported in the literature in individuals affected with RECQL-related conditions. ClinVar contains an entry for this variant (Variation ID: 1760771). Invitae Evidence Modeling of protein sequence and biophysical properties (such as structural, functional, and spatial information, amino acid conservation, physicochemical variation, residue mobility, and thermodynamic stability) indicates that this missense variant is not expected to disrupt RECQL protein function with a negative predictive value of 80%. In summary, the available evidence is currently insufficient to determine the role of this variant in disease. Therefore, it has been classified as a Variant of Uncertain Significance.

Ambry Genetics
Classification: Uncertain significance. Last evaluated: 2025-01-23. Review status: criteria provided, single submitter. Criteria: Ambry Variant Classification Scheme 2023. Collection method: clinical testing. Allele origin: germline.
Comment: The p.V261I variant (also known as c.781G>A), located in coding exon 6 of the RECQL gene, results from a G to A substitution at nucleotide position 781. The valine at codon 261 is replaced by isoleucine, an amino acid with highly similar properties. This amino acid position is highly conserved in available vertebrate species. In addition, this alteration is predicted to be tolerated by in silico analysis. Since supporting evidence is limited at this time, the clinical significance of this alteration remains unclear.

Quest Diagnostics Nichols Institute San Juan Capistrano
Classification: Uncertain significance. Last evaluated: 2024-04-23. Review status: criteria provided, single submitter. Criteria: Quest Diagnostics criteria. Collection method: clinical testing. Allele origin: unknown.
Comment: The RECQL c.781G>A (p.Val261Ile) variant has been reported in an individual with breast cancer as well as in a reportedly healthy individual (PMID: 33471991 (2021), see also LOVD). The frequency of this variant in the general population, 0.000011 (3/282372 chromosomes (Genome Aggregation Database)), is uninformative in the assessment of its pathogenicity. Analysis of this variant using bioinformatics tools for the prediction of the effect of amino acid changes on protein structure and function yielded conflicting predictions that this variant is benign or damaging. Based on the available information, we are unable to determine the clinical significance of this variant.

Literature cited by the submitters: PubMed 33471991 (cited by Quest Diagnostics Nichols Institute San Juan Capistrano).